The following is an entry in ClinVar:

NM_152383.5(DIS3L2):c.1798G>A (p.Ala600Thr)

Gene: DIS3L2 (DIS3 like 3'-5' exoribonuclease 2; plus strand). Cytogenetic location: 2q37.1.
Variant type: single nucleotide variant.
Coding change: c.1798G>A on transcript NM_152383.5 (MANE Select); coding-DNA position 1798, G replaced by A.
Protein change: p.Ala600Thr; replaces alanine 600 with threonine.
Molecular consequence: missense variant. On other transcripts: intron variant (1).
Genome position (GRCh38, 1-based): chr2:232,329,871, G>A. VCF-style: chr2-232329871-G-A. GRCh37 (hg19) VCF-style: chr2-233194581-G-A.
Other names: c.1582-13474G>A (NM_001257281.2); short protein forms A600T.
Identifiers: ClinVar variation 946701 (VCV000946701.11), dbSNP rs780922076, ClinGen allele CA2164274.
Genomic context (GRCh38, chr2:232,329,871, plus strand): 5'-AGGCTCGTGGAGGAGTTCATGCTCTTGGCCAACATGGCAGTGGCCCACAAGATCCACCGC[G>A]CCTTCCCCGAGCAGGCCCTGCTGCGCCGGCACCCCCCGCCCCAAACAAGGATGCTCAGTG-3'
Protein context (NP_689596.4, residues 590-610): NMAVAHKIHR[Ala600Thr]FPEQALLRRH

ClinVar aggregate classification (germline): Uncertain significance. Review status: criteria provided, single submitter (1 of 4 stars). 2 submissions from 2 submitters: Uncertain significance (1). 1 of the submissions does not count toward it. Last evaluated 2025-12-01.

Conditions:
DIS3L2-related disorder. Also called: DIS3L2-related condition.
Perlman syndrome (PRLMNS). Identifiers: Orphanet 2849, MedGen C0796113, MONDO:0009965, OMIM 267000.

Allele frequency attached by ClinVar (database versions not stated): gnomAD exomes below 0.00001 and 0.00001; ExAC 0.00001.
gnomAD v4.1: 4 of 1,396,416 alleles (0.00029%); highest among the groups gnomAD compares: Non-Finnish European, 0.00029%; no homozygotes.

Submissions (2):

Labcorp Genetics (formerly Invitae), Labcorp
Classification: Uncertain significance for Perlman syndrome. Last evaluated: 2025-12-01. Review status: criteria provided, single submitter. Criteria: Invitae Variant Classification Sherloc (09022015). Collection method: clinical testing. Allele origin: germline.
Comment: This sequence change replaces alanine, which is neutral and non-polar, with threonine, which is neutral and polar, at codon 600 of the DIS3L2 protein (p.Ala600Thr). The frequency data for this variant in the population databases is considered unreliable, as metrics indicate poor data quality at this position in the gnomAD database. This variant has not been reported in the literature in individuals affected with DIS3L2-related conditions. ClinVar contains an entry for this variant (Variation ID: 946701). Invitae Evidence Modeling of protein sequence and biophysical properties (such as structural, functional, and spatial information, amino acid conservation, physicochemical variation, residue mobility, and thermodynamic stability) indicates that this missense variant is not expected to disrupt DIS3L2 protein function with a negative predictive value of 80%. In summary, the available evidence is currently insufficient to determine the role of this variant in disease. Therefore, it has been classified as a Variant of Uncertain Significance.

PreventionGenetics, part of Exact Sciences
Classification: Uncertain significance for DIS3L2-related condition. Last evaluated: 2023-12-14. Review status: no assertion criteria provided. Collection method: clinical testing. Allele origin: germline. Not counted in ClinVar's aggregate classification.
Comment: The DIS3L2 c.1798G>A variant is predicted to result in the amino acid substitution p.Ala600Thr. To our knowledge, this variant has not been reported in the literature. This variant is reported in 0.010% of alleles in individuals of Ashkenazi Jewish descent in gnomAD. At this time, the clinical significance of this variant is uncertain due to the absence of conclusive functional and genetic evidence.